The following is an entry in ClinVar:

NM_001042424.3(NSD2):c.1934A>T (p.Asp645Val)

Gene: NSD2 (nuclear receptor binding SET domain protein 2; plus strand). Cytogenetic location: 4p16.3.
Variant type: single nucleotide variant.
Coding change: c.1934A>T on transcript NM_001042424.3 (MANE Select); coding-DNA position 1934, A replaced by T.
Protein change: p.Asp645Val; replaces aspartic acid 645 with valine.
Molecular consequence: missense variant.
Genome position (GRCh38, 1-based): chr4:1,951,124, A>T. VCF-style: chr4-1951124-A-T. GRCh37 (hg19) VCF-style: chr4-1952851-A-T.
Other names: c.1934A>T, p.Asp645Val (NM_133330.3, NM_133331.3, NM_133335.4); short protein forms D645V.
Identifiers: ClinVar variation 2429084 (VCV002429084.4), dbSNP rs2474602214, ClinGen allele CA355982155.

ClinVar aggregate classification (germline): Uncertain significance (1 of 4 stars; one submission).

Submission:

Greenwood Genetic Center Diagnostic Laboratories, Greenwood Genetic Center
Classification: Uncertain significance. Last evaluated: 2022-10-25. Review status: criteria provided, single submitter. Criteria: ACMG Guidelines, 2015. Collection method: clinical testing. Allele origin: germline. Affected: yes.
Comment: PM2